The following is an entry in ClinVar:

ClinVar aggregate classification (germline): Uncertain significance (1 of 4 stars; one submission).

Conditions:
Distal arthrogryposis type 5D (DA5D). Identifiers: Orphanet 329457, MedGen C3554415, MONDO:0014028, OMIM 615065.

Submission:

Kariminejad - Najmabadi Pathology & Genetics Center
Classification: Uncertain significance for Distal arthrogryposis type 5D. Last evaluated: 2019-01-31. Review status: criteria provided, single submitter. Criteria: ACMG Guidelines, 2015. Collection method: clinical testing. Allele origin: germline. Inheritance: Autosomal recessive inheritance. Affected: yes.
Comment: PM2,PP3

NM_004826.4(ECEL1):c.1864G>C (p.Gly622Arg)

Gene: ECEL1 (endothelin converting enzyme like 1; minus strand). Cytogenetic location: 2q37.1.
Variant type: single nucleotide variant.
Coding change: c.1864G>C on transcript NM_004826.4 (MANE Select); coding-DNA position 1864, G replaced by C.
Protein change: p.Gly622Arg; replaces glycine 622 with arginine.
Molecular consequence: missense variant.
Genome position (GRCh38, 1-based): chr2:232,481,782, C>G on the plus strand (G>C on the coding strand, the complement: ECEL1 is on the minus strand). VCF-style: chr2-232481782-C-G. GRCh37 (hg19) VCF-style: chr2-233346492-C-G.
Other names: c.1858G>C, p.Gly620Arg (NM_001290787.2); short protein forms G620R, G622R.
Identifiers: ClinVar variation 3896857 (VCV003896857.1).
Genomic context (GRCh38, chr2:232,481,782, plus strand): 5'-CCTCTCCACTGCCTGTCCTGCCCCCTCCGGGCCATCCCCTGGGGCCCCAACAGGCCTCAC[C>G]CCAGTCGTCGTAGCCGTGGGTCAGCTCATGTCCAATGATGGTGCCGATGCCCCCGTAGTT-3'
Protein context (NP_004817.2, residues 612-632): HELTHGYDDW[Gly622Arg]GQYDRSGNLL